The following is an entry in ClinVar:

ClinVar aggregate classification (germline): Uncertain significance (1 of 4 stars; one submission).

Conditions:
Glycogen storage disease, type II (IOPD). Also called: Pompe Disease; CARDIOMEGALIA GLYCOGENICA DIFFUSA; GLYCOGENOSIS, GENERALIZED, CARDIAC FORM; GSD II; POMPE DISEASE, INFANTILE-ONSET; GLYCOGEN STORAGE DISEASE II, INFANTILE-ONSET. Identifiers: Orphanet 365, MedGen C0017921, MONDO:0009290, OMIM 232300.

Submission:

Genomenon, Inc
Classification: Uncertain significance for Glycogen storage disease, type II. Last evaluated: 2026-07-01. Review status: criteria provided, single submitter. Criteria: Genomenon Sequence Variant Interpretation Standards - Updated. Collection method: curation. Allele origin: germline. Affected: no.
Comment: GAA c.1195-8G>T is an intronic variant located in the acceptor splice region of intron 7. This variant has been reported in the published literature (PMID:21179066). It is absent or not present at a significant frequency in gnomAD. In silico models predict that this variant is not damaging. In conclusion, we classify GAA c.1195-8G>T as a variant of uncertain significance.

Literature cited by the submitters: PubMed 21179066.

NM_000152.5(GAA):c.1195-8G>T

Gene: GAA (alpha glucosidase; plus strand). Cytogenetic location: 17q25.3.
Variant type: single nucleotide variant.
Coding change: c.1195-8G>T on transcript NM_000152.5 (MANE Select); 8 bases into the intron before coding-DNA position 1195, G replaced by T.
Molecular consequence: intron variant.
Genome position (GRCh38, 1-based): chr17:80,108,689, G>T. VCF-style: chr17-80108689-G-T. GRCh37 (hg19) VCF-style: chr17-78082488-G-T.
Other names: c.1195-8G>T (NM_001079804.3, NM_001406741.1, NM_001406742.1 and 1 more transcripts).
Identifiers: ClinVar variation 4876554 (VCV004876554.1).